The following is an entry in ClinVar:

NM_138477.4(CDAN1):c.1967C>T (p.Thr656Ile)

Gene: CDAN1 (codanin 1; minus strand). Cytogenetic location: 15q15.2.
Variant type: single nucleotide variant.
Coding change: c.1967C>T on transcript NM_138477.4 (MANE Select); coding-DNA position 1967, C replaced by T.
Protein change: p.Thr656Ile; replaces threonine 656 with isoleucine.
Molecular consequence: missense variant.
Genome position (GRCh38, 1-based): chr15:42,730,965, G>A on the plus strand (C>T on the coding strand, the complement: CDAN1 is on the minus strand). VCF-style: chr15-42730965-G-A. GRCh37 (hg19) VCF-style: chr15-43023163-G-A.
Other names: short protein forms T656I.
Identifiers: ClinVar variation 1714224 (VCV001714224.5), dbSNP rs139202766, ClinGen allele CA392043113.

ClinVar aggregate classification (germline): Uncertain significance (1 of 4 stars; one submission).

Submission:

Labcorp Genetics (formerly Invitae), Labcorp
Classification: Uncertain significance. Last evaluated: 2022-07-15. Review status: criteria provided, single submitter. Criteria: Invitae Variant Classification Sherloc (09022015). Collection method: clinical testing. Allele origin: germline.
Comment: In summary, the available evidence is currently insufficient to determine the role of this variant in disease. Therefore, it has been classified as a Variant of Uncertain Significance. Algorithms developed to predict the effect of missense changes on protein structure and function are either unavailable or do not agree on the potential impact of this missense change (SIFT: "Tolerated"; PolyPhen-2: "Possibly Damaging"; Align-GVGD: "Class C0"). This variant has not been reported in the literature in individuals affected with CDAN1-related conditions. This variant is not present in population databases (gnomAD no frequency). This sequence change replaces threonine, which is neutral and polar, with isoleucine, which is neutral and non-polar, at codon 656 of the CDAN1 protein (p.Thr656Ile).